The following is an entry in ClinVar:

ClinVar aggregate classification (germline): Likely pathogenic (1 of 4 stars; one submission).

Conditions:
Ornithine aminotransferase deficiency (GACR). Also called: OAT DEFICIENCY; HYPERORNITHINEMIA WITH GYRATE ATROPHY OF CHOROID AND RETINA; OKT DEFICIENCY; Ornithine ketoacid aminotransferase deficiency; Gyrate atrophy; Gyrate atrophy of choroid and retina. Identifiers: Orphanet 414, MedGen C0018425, MONDO:0009796, OMIM 258870.

Submission:

Labcorp Genetics (formerly Invitae), Labcorp
Classification: Likely pathogenic for Ornithine aminotransferase deficiency. Last evaluated: 2023-04-19. Review status: criteria provided, single submitter. Criteria: Invitae Variant Classification Sherloc (09022015). Collection method: clinical testing. Allele origin: germline.
Comment: In summary, the currently available evidence indicates that the variant is pathogenic, but additional data are needed to prove that conclusively. Therefore, this variant has been classified as Likely Pathogenic. Algorithms developed to predict the effect of sequence changes on RNA splicing suggest that this variant may disrupt the consensus splice site. This variant has not been reported in the literature in individuals affected with OAT-related conditions. This variant is not present in population databases (gnomAD no frequency). This sequence change affects a donor splice site in intron 3 of the OAT gene. It is expected to disrupt RNA splicing. Variants that disrupt the donor or acceptor splice site typically lead to a loss of protein function (PMID: 16199547), and loss-of-function variants in OAT are known to be pathogenic (PMID: 1737786, 23076989).

Literature cited by the submitters: PubMed 16199547; PubMed 1737786; PubMed 23076989.

NM_000274.4(OAT):c.424+1G>A

Gene: OAT (ornithine aminotransferase; minus strand). Cytogenetic location: 10q26.13.
Variant type: single nucleotide variant.
Coding change: c.424+1G>A on transcript NM_000274.4 (MANE Select); the canonical splice donor site of the intron after coding-DNA position 424, G replaced by A.
Molecular consequence: splice donor variant. On other transcripts: intron variant (1).
Genome position (GRCh38, 1-based): chr10:124,408,740, C>T on the plus strand (G>A on the coding strand, the complement: OAT is on the minus strand). VCF-style: chr10-124408740-C-T. GRCh37 (hg19) VCF-style: chr10-126097309-C-T.
Other names: c.424+1G>A (NM_001322965.2, NM_001322969.2, NM_001322966.2 and 3 more transcripts); c.10+1G>A (NM_001171814.2); c.-291+1G>A (NM_001322974.2); c.200-3177G>A (NM_001322971.2).
Identifiers: ClinVar variation 2843028 (VCV002843028.3), dbSNP rs2494502096, ClinGen allele CA378637094.